The following is an entry in ClinVar:

NM_005618.4(DLL1):c.31G>T (p.Val11Leu)

Gene: DLL1 (delta like canonical Notch ligand 1; minus strand). Cytogenetic location: 6q27.
Variant type: single nucleotide variant.
Coding change: c.31G>T on transcript NM_005618.4 (MANE Select); coding-DNA position 31, G replaced by T.
Protein change: p.Val11Leu; replaces valine 11 with leucine.
Molecular consequence: missense variant.
Genome position (GRCh38, 1-based): chr6:170,290,109, C>A on the plus strand (G>T on the coding strand, the complement: DLL1 is on the minus strand). VCF-style: chr6-170290109-C-A. GRCh37 (hg19) VCF-style: chr6-170599197-C-A.
Other names: short protein forms V11L.
Identifiers: ClinVar variation 2704040 (VCV002704040.3), dbSNP rs1339836464, ClinGen allele CA366510502.

ClinVar aggregate classification (germline): Uncertain significance (1 of 4 stars; one submission).

gnomAD v4.1: 1 of 1,592,090 alleles (0.000063%); highest among the groups gnomAD compares: Non-Finnish European, 0.000085%; no homozygotes.

Submission:

Labcorp Genetics (formerly Invitae), Labcorp
Classification: Uncertain significance. Last evaluated: 2023-12-19. Review status: criteria provided, single submitter. Criteria: Invitae Variant Classification Sherloc (09022015). Collection method: clinical testing. Allele origin: germline.
Comment: This sequence change replaces valine, which is neutral and non-polar, with leucine, which is neutral and non-polar, at codon 11 of the DLL1 protein (p.Val11Leu). This variant is not present in population databases (gnomAD no frequency). This variant has not been reported in the literature in individuals affected with DLL1-related conditions. An algorithm developed to predict the effect of missense changes on protein structure and function (PolyPhen-2) suggests that this variant is likely to be tolerated. In summary, the available evidence is currently insufficient to determine the role of this variant in disease. Therefore, it has been classified as a Variant of Uncertain Significance.